The following is an entry in ClinVar:

NM_000478.6(ALPL):c.1306T>C (p.Tyr436His)

Gene: ALPL (alkaline phosphatase, biomineralization associated; plus strand). Cytogenetic location: 1p36.12.
Variant type: single nucleotide variant.
Coding change: c.1306T>C on transcript NM_000478.6 (MANE Select); coding-DNA position 1306, T replaced by C.
Protein change: p.Tyr436His; replaces tyrosine 436 with histidine.
Molecular consequence: missense variant.
Genome position (GRCh38, 1-based): chr1:21,576,638, T>C. VCF-style: chr1-21576638-T-C. GRCh37 (hg19) VCF-style: chr1-21903131-T-C.
Other names: Y419H; c.1306T>C (NM_000478.4); c.1141T>C, p.Tyr381His (NM_001127501.4); c.1075T>C, p.Tyr359His (NM_001177520.3); c.1306T>C, p.Tyr436His (NM_001369803.2, NM_001369804.2, NM_001369805.2); short protein forms Y436H, Y359H, Y381H.
Identifiers: ClinVar variation 13668 (VCV000013668.4), dbSNP rs121918006, ClinGen allele CA256925.

ClinVar aggregate classification (germline): Conflicting classifications of pathogenicity. Review status: criteria provided, conflicting classifications (1 of 4 stars). 3 submissions from 3 submitters: Likely pathogenic (1); Uncertain significance (1). 1 of the submissions does not count toward it. Last evaluated 2026-04-21.

Conditions:
Hypophosphatasia. Also called: Phosphoethanol-aminuria. Identifiers: Orphanet 436, MedGen C0020630, MeSH D007014, MONDO:0018570.
Infantile hypophosphatasia. Identifiers: Orphanet 247651, Orphanet 436, MedGen C0268412, MONDO:1010169, OMIM 241500, MONDO:0009427.

Submissions (3):

GeneDx
Classification: Uncertain significance. Last evaluated: 2026-04-21. Review status: criteria provided, single submitter. Criteria: GeneDx Variant Classification Process June 2021. Collection method: clinical testing. Allele origin: germline.
Comment: Not observed at significant frequency in large population cohorts (gnomAD); In silico analysis suggests that this missense variant does not alter protein structure/function; This variant is associated with the following publications: (PMID: 25731960, 1409720, 23791648)

Genomenon, Inc
Classification: Likely pathogenic for Hypophosphatasia. Last evaluated: 2025-08-29. Review status: criteria provided, single submitter. Criteria: Genomenon Sequence Variant Interpretation Standards. Collection method: curation. Allele origin: germline. Affected: yes.
Comment: ALPL p.Tyr436His (c.1306T>C) is a missense variant that changes the amino acid at residue 436 from Tyrosine to Histidine. This variant has been observed in at least one proband affected with hypophosphatasia (PMID:1409720). It has been observed in trans with a pathogenic variant (PMID:1409720). It is absent or not present at a significant frequency in gnomAD. In silico models agree that this variant is possibly or probably damaging. In conclusion, we classify ALPL p.Tyr436His (c.1306T>C) as a likely pathogenic variant.

OMIM
Classification: Pathogenic for HYPOPHOSPHATASIA, INFANTILE. Last evaluated: 1992-10-15. Review status: no assertion criteria provided. Collection method: literature only. Allele origin: germline. Not counted in ClinVar's aggregate classification.

Literature cited by the submitters: PubMed 1409720 (cited by Genomenon, Inc and OMIM).